The following is an entry in ClinVar:

ClinVar aggregate classification (germline): Likely benign. Review status: criteria provided, multiple submitters, no conflicts (2 of 4 stars). 2 submissions from 2 submitters: Likely benign (2). Last evaluated 2023-06-10.

Conditions:
Autosomal dominant nonsyndromic hearing loss 1. Also called: KONIGSMARK SYNDROME; DEAFNESS, AUTOSOMAL DOMINANT 1, WITH OR WITHOUT THROMBOCYTOPENIA. Identifiers: Orphanet 90635, MedGen C1852282, MONDO:0007424, OMIM 124900.
Progressive microcephaly-seizures-cortical blindness-developmental delay syndrome. Also called: Seizures, cortical blindness, and microcephaly syndrome. Identifiers: Orphanet 477814, MedGen C5567650, MONDO:0014714, OMIM 616632.

gnomAD v4.1: 3 of 1,510,670 alleles (0.0002%); highest among the groups gnomAD compares: Non-Finnish European, 0.00027%; no homozygotes.

Submissions (2):

Labcorp Genetics (formerly Invitae), Labcorp
Classification: Likely benign for Progressive microcephaly-seizures-cortical blindness-developmental delay syndrome; Autosomal dominant nonsyndromic hearing loss 1. Last evaluated: 2023-06-10. Review status: criteria provided, single submitter. Criteria: Invitae Variant Classification Sherloc (09022015). Collection method: clinical testing. Allele origin: germline.

CeGaT Center for Human Genetics Tuebingen
Classification: Likely benign. Last evaluated: 2023-06-01. Review status: criteria provided, single submitter. Criteria: CeGaT Center For Human Genetics Tuebingen Variant Classification Criteria Version 2. Collection method: clinical testing. Allele origin: germline. Affected: yes. Observed: 1 variant allele.
Comment: DIAPH1: PM2:Supporting, BP4, BP7

NM_005219.5(DIAPH1):c.12C>T (p.Pro4=)

Gene: DIAPH1 (diaphanous related formin 1; minus strand). Cytogenetic location: 5q31.3.
Variant type: single nucleotide variant.
Coding change: c.12C>T on transcript NM_005219.5 (MANE Select); coding-DNA position 12, C replaced by T.
Protein change: p.Pro4=; no amino-acid change (proline 4 retained).
Molecular consequence: synonymous variant.
Genome position (GRCh38, 1-based): chr5:141,618,903, G>A on the plus strand (C>T on the coding strand, the complement: DIAPH1 is on the minus strand). VCF-style: chr5-141618903-G-A. GRCh37 (hg19) VCF-style: chr5-140998470-G-A.
Other names: c.12C>T, p.Pro4= (NM_001079812.3, NM_001314007.2).
Identifiers: ClinVar variation 2655869 (VCV002655869.27), dbSNP rs2513851382, ClinGen allele CA446893414.